The following is an entry in ClinVar:

ClinVar aggregate classification (germline): Uncertain significance (1 of 4 stars; one submission).

Submission:

GeneDx
Classification: Uncertain significance. Last evaluated: 2024-07-23. Review status: criteria provided, single submitter. Criteria: GeneDx Variant Classification Process June 2021. Collection method: clinical testing. Allele origin: germline. Affected: yes.
Comment: Not observed at significant frequency in large population cohorts (gnomAD); In silico analysis indicates that this missense variant does not alter protein structure/function; Has not been previously published as pathogenic or benign to our knowledge

NM_001080517.3(SETD5):c.1438G>A (p.Glu480Lys)

Gene: SETD5 (SET domain containing 5; plus strand). Cytogenetic location: 3p25.3.
Variant type: single nucleotide variant.
Coding change: c.1438G>A on transcript NM_001080517.3 (MANE Select); coding-DNA position 1438, G replaced by A.
Protein change: p.Glu480Lys; replaces glutamic acid 480 with lysine.
Molecular consequence: missense variant.
Genome position (GRCh38, 1-based): chr3:9,445,298, G>A. VCF-style: chr3-9445298-G-A. GRCh37 (hg19) VCF-style: chr3-9486982-G-A.
Other names: c.1144G>A, p.Glu382Lys (NM_001292043.2, NM_001349451.2); short protein forms E382K, E480K.
Identifiers: ClinVar variation 3600791 (VCV003600791.1).